The following is an entry in ClinVar:

ClinVar aggregate classification (germline): Uncertain significance (1 of 4 stars; one submission).

Allele frequency attached by ClinVar (database versions not stated): gnomAD exomes below 0.00001; TOPMed 0.00001.
gnomAD v4.1: 2 of 1,613,650 alleles (0.00012%); highest among the groups gnomAD compares: Non-Finnish European, 0.00017%; no homozygotes.

Submission:

Labcorp Genetics (formerly Invitae), Labcorp
Classification: Uncertain significance. Last evaluated: 2022-10-30. Review status: criteria provided, single submitter. Criteria: Invitae Variant Classification Sherloc (09022015). Collection method: clinical testing. Allele origin: germline.
Comment: This variant has not been reported in the literature in individuals affected with CARD8-related conditions. This variant is not present in population databases (gnomAD no frequency). This sequence change replaces leucine, which is neutral and non-polar, with proline, which is neutral and non-polar, at codon 112 of the CARD8 protein (p.Leu112Pro). Algorithms developed to predict the effect of missense changes on protein structure and function are either unavailable or do not agree on the potential impact of this missense change (SIFT: "Deleterious"; PolyPhen-2: "Probably Damaging"; Align-GVGD: "Class C0"). In summary, the available evidence is currently insufficient to determine the role of this variant in disease. Therefore, it has been classified as a Variant of Uncertain Significance.

NM_001184900.3(CARD8):c.485T>C (p.Leu162Pro)

Gene: CARD8 (caspase recruitment domain family member 8; minus strand). Cytogenetic location: 19q13.33.
Variant type: single nucleotide variant.
Coding change: c.485T>C on transcript NM_001184900.3 (MANE Select); coding-DNA position 485, T replaced by C.
Protein change: p.Leu162Pro; replaces leucine 162 with proline.
Molecular consequence: missense variant. On other transcripts: non-coding transcript variant (4).
Genome position (GRCh38, 1-based): chr19:48,231,717, A>G on the plus strand (T>C on the coding strand, the complement: CARD8 is on the minus strand). VCF-style: chr19-48231717-A-G. GRCh37 (hg19) VCF-style: chr19-48734974-A-G.
Other names: c.485T>C, p.Leu162Pro (NM_001351782.2, NM_001184902.2, NM_001184903.1); c.335T>C, p.Leu112Pro (NM_001351783.2, NM_001351788.2, NM_001351789.2 and 2 more transcripts); c.170T>C, p.Leu57Pro (NM_001351784.2, NM_001351787.2, NM_001351791.2 and 2 more transcripts); c.149T>C, p.Leu50Pro (NM_001351786.2); c.242T>C, p.Leu81Pro (NM_001351790.2); short protein forms L162P, L57P, L81P, L50P, L112P.
Identifiers: ClinVar variation 1966949 (VCV001966949.5), dbSNP rs2042927970, ClinGen allele CA406644846.